The following is an entry in ClinVar:

ClinVar aggregate classification (germline): Uncertain significance (1 of 4 stars; one submission).

Conditions:
Hereditary sensory neuropathy-deafness-dementia syndrome. Also called: NEUROPATHY, HEREDITARY SENSORY, WITH HEARING LOSS AND DEMENTIA; Hereditary sensory neuropathy type IE; HSN IE; Hereditary Sensory and Autonomic Neuropathy Type 1E (HSAN1E). Identifiers: Orphanet 456318, MedGen C3279885, MONDO:0013584, OMIM 614116.

Allele frequency attached by ClinVar (database versions not stated): gnomAD exomes below 0.00001; TOPMed 0.00002.
gnomAD v4.1: 7 of 1,614,226 alleles (0.00043%); highest among the groups gnomAD compares: Non-Finnish European, 0.00042%; no homozygotes.

Submission:

Labcorp Genetics (formerly Invitae), Labcorp
Classification: Uncertain significance for Hereditary sensory neuropathy-deafness-dementia syndrome. Last evaluated: 2021-06-05. Review status: criteria provided, single submitter. Criteria: Invitae Variant Classification Sherloc (09022015). Collection method: clinical testing. Allele origin: germline.
Comment: This variant is not present in population databases (ExAC no frequency). This sequence change replaces glutamic acid with lysine at codon 582 of the DNMT1 protein (p.Glu582Lys). The glutamic acid residue is highly conserved and there is a small physicochemical difference between glutamic acid and lysine. This variant has not been reported in the literature in individuals with DNMT1-related conditions. Algorithms developed to predict the effect of missense changes on protein structure and function are either unavailable or do not agree on the potential impact of this missense change (SIFT: "Deleterious"; PolyPhen-2: "Benign"; Align-GVGD: "Class C0"). In summary, the available evidence is currently insufficient to determine the role of this variant in disease. Therefore, it has been classified as a Variant of Uncertain Significance.

NM_001130823.3(DNMT1):c.1744G>A (p.Glu582Lys)

Gene: DNMT1 (DNA methyltransferase 1; minus strand). Cytogenetic location: 19p13.2.
Variant type: single nucleotide variant.
Coding change: c.1744G>A on transcript NM_001130823.3 (MANE Select); coding-DNA position 1744, G replaced by A.
Protein change: p.Glu582Lys; replaces glutamic acid 582 with lysine.
Molecular consequence: missense variant.
Genome position (GRCh38, 1-based): chr19:10,154,674, C>T on the plus strand (G>A on the coding strand, the complement: DNMT1 is on the minus strand). VCF-style: chr19-10154674-C-T. GRCh37 (hg19) VCF-style: chr19-10265350-C-T.
Other names: c.1696G>A, p.Glu566Lys (NM_001318730.2, NM_001379.4); c.1381G>A, p.Glu461Lys (NM_001318731.2); short protein forms E566K, E461K, E582K.
Identifiers: ClinVar variation 1358957 (VCV001358957.8), dbSNP rs990456303, ClinGen allele CA305172478.
Genomic context (GRCh38, chr19:10,154,674, plus strand): 5'-TGATCAGGTCCCGCATGCAGGGTGTCAGGAAGATGGGCTGCTCATCACTGTCCCCGGCCT[C>T]GTCATAACTCTCCACCTGCTCCACCACAAACTGCGCGTGTCGCAGGAGGGAGTCCTCTGT-3'
Protein context (NP_001124295.1, residues 572-592): FVVEQVESYD[Glu582Lys]AGDSDEQPIF